The following is an entry in ClinVar:

ClinVar aggregate classification (germline): Uncertain significance (1 of 4 stars; one submission).

Conditions:
Familial hemophagocytic lymphohistiocytosis 3 (FHL3). Also called: UNC13D-Related Familial Hemophagocytic Lymphohistiocytosis (UNC13D-fHLH). Identifiers: Orphanet 540, MedGen C1837174, MONDO:0012146, OMIM 608898.

Submission:

Labcorp Genetics (formerly Invitae), Labcorp
Classification: Uncertain significance for Familial hemophagocytic lymphohistiocytosis 3. Last evaluated: 2022-07-25. Review status: criteria provided, single submitter. Criteria: Invitae Variant Classification Sherloc (09022015). Collection method: clinical testing. Allele origin: germline.
Comment: This variant has not been reported in the literature in individuals affected with UNC13D-related conditions. This variant is not present in population databases (gnomAD no frequency). This sequence change replaces valine, which is neutral and non-polar, with leucine, which is neutral and non-polar, at codon 701 of the UNC13D protein (p.Val701Leu). Algorithms developed to predict the effect of missense changes on protein structure and function are either unavailable or do not agree on the potential impact of this missense change (SIFT: "Not Available"; PolyPhen-2: "Probably Damaging"; Align-GVGD: "Not Available"). In summary, the available evidence is currently insufficient to determine the role of this variant in disease. Therefore, it has been classified as a Variant of Uncertain Significance.

NM_199242.3(UNC13D):c.2101G>C (p.Val701Leu)

Gene: UNC13D (unc-13 homolog D; minus strand). Cytogenetic location: 17q25.1.
Variant type: single nucleotide variant.
Coding change: c.2101G>C on transcript NM_199242.3 (MANE Select); coding-DNA position 2101, G replaced by C.
Protein change: p.Val701Leu; replaces valine 701 with leucine.
Molecular consequence: missense variant.
Genome position (GRCh38, 1-based): chr17:75,834,522, C>G on the plus strand (G>C on the coding strand, the complement: UNC13D is on the minus strand). VCF-style: chr17-75834522-C-G. GRCh37 (hg19) VCF-style: chr17-73830603-C-G.
Other names: short protein forms V701L.
Identifiers: ClinVar variation 1714318 (VCV001714318.5), dbSNP rs2545980209, ClinGen allele CA401089638.